The following is an entry in ClinVar:

ClinVar aggregate classification (germline): Uncertain significance (1 of 4 stars; one submission).

Conditions:
Maple syrup urine disease (MSUD). Identifiers: Orphanet 511, MedGen C0024776, MeSH D008375, MONDO:0009563. Disease mechanism: loss of function.

Allele frequency attached by ClinVar (database versions not stated): gnomAD exomes below 0.00001.
gnomAD v4.1: 1 of 1,613,916 alleles (0.000062%); highest among the groups gnomAD compares: Admixed American, 0.0017%; no homozygotes.

Submission:

Labcorp Genetics (formerly Invitae), Labcorp
Classification: Uncertain significance for Maple syrup urine disease. Last evaluated: 2022-08-16. Review status: criteria provided, single submitter. Criteria: Invitae Variant Classification Sherloc (09022015). Collection method: clinical testing. Allele origin: germline.
Comment: This sequence change replaces aspartic acid, which is acidic and polar, with asparagine, which is neutral and polar, at codon 159 of the DBT protein (p.Asp159Asn). This variant is present in population databases (no rsID available, gnomAD 0.003%). This variant has not been reported in the literature in individuals affected with DBT-related conditions. Advanced modeling of protein sequence and biophysical properties (such as structural, functional, and spatial information, amino acid conservation, physicochemical variation, residue mobility, and thermodynamic stability) performed at Invitae indicates that this missense variant is not expected to disrupt DBT protein function. In summary, the available evidence is currently insufficient to determine the role of this variant in disease. Therefore, it has been classified as a Variant of Uncertain Significance.

NM_001918.5(DBT):c.475G>A (p.Asp159Asn)

Gene: DBT (dihydrolipoamide branched chain transacylase E2; minus strand). Cytogenetic location: 1p21.2.
Variant type: single nucleotide variant.
Coding change: c.475G>A on transcript NM_001918.5 (MANE Select); coding-DNA position 475, G replaced by A.
Protein change: p.Asp159Asn; replaces aspartic acid 159 with asparagine.
Molecular consequence: missense variant. On other transcripts: 5 prime UTR variant (2), non-coding transcript variant (4).
Genome position (GRCh38, 1-based): chr1:100,218,706, C>T on the plus strand (G>A on the coding strand, the complement: DBT is on the minus strand). VCF-style: chr1-100218706-C-T. GRCh37 (hg19) VCF-style: chr1-100684262-C-T.
Other names: c.-69G>A (NM_001399969.1, NM_001399972.1); short protein forms D159N.
Identifiers: ClinVar variation 1716557 (VCV001716557.3), dbSNP rs1350392391, ClinGen allele CA341340615.
Genomic context (GRCh38, chr1:100,218,706, plus strand): 5'-GGCGAACTGCAGGAGTTGCCAGTGTTTTTCGGCCCTTTATCTCTTGGTGTGTATGTTCAT[C>T]ATGAGACACTGCAGGAGTTTCAACAACATCTTCTTCTGAATCTGGTAACAAGGTAAAACT-3'
Protein context (NP_001909.4, residues 149-169): DVVETPAVSH[Asp159Asn]EHTHQEIKGR